The following is an entry in ClinVar:

NM_001369.3(DNAH5):c.2595_2596del (p.Ala866fs)

Genes: DNAH5 (dynein axonemal heavy chain 5; minus strand), DNAH5-AS1 (DNAH5 antisense RNA 1; plus strand). Cytogenetic location: 5p15.2.
Variant type: Deletion.
Coding change: c.2595_2596del on transcript NM_001369.3 (MANE Select); coding-DNA positions 2595 to 2596, 2 bases deleted (TG; older notation c.2595_2596delTG).
Protein change: p.Ala866fs; shifts the reading frame from alanine 866.
Molecular consequence: frameshift variant.
Genome position (GRCh38, 1-based): chr5:13,886,111-13,886,112, CA deleted on the plus strand (TG on the coding strand, the reverse complement: DNAH5 is on the minus strand); deleting any 2 consecutive bases within chr5:13,886,111-13,886,113 gives the same sequence; the c. name uses the placement nearest the transcript's 3' end. VCF-style (leftmost placement, unchanged base first): chr5-13886110-GCA-G. GRCh37 (hg19) VCF-style: chr5-13886219-GCA-G.
Other names: short protein forms A866fs.
Identifiers: ClinVar variation 5016028 (VCV005016028.1).

ClinVar aggregate classification (germline): Pathogenic (1 of 4 stars; one submission).

Conditions:
Primary ciliary dyskinesia 3. Identifiers: Orphanet 244, MedGen C1837618, MONDO:0012085, OMIM 608644.

Submission:

Myriad Genetics, Inc.
Classification: Pathogenic for Primary ciliary dyskinesia 3. Last evaluated: 2026-06-11. Review status: criteria provided, single submitter. Criteria: Myriad Autosomal Dominant, Autosomal Recessive and X-Linked Classification Criteria (2023). Collection method: clinical testing. Allele origin: unknown.
Comment: NM_001369.2(DNAH5):c.2595_2596delTG(A866Tfs*6) is expected to be pathogenic in the context of primary ciliary dyskinesia, DNAH5-related. This variant is predicted to lead to an abnormal or absent protein product due to the creation of a premature termination codon in DNAH5, a gene where loss-of-function variants are known to be pathogenic. Please note: this variant was assessed in the context of healthy population screening.